The following is an entry in ClinVar:

ClinVar aggregate classification (germline): Likely benign (1 of 4 stars; one submission).

Allele frequency attached by ClinVar (database versions not stated): 1000 Genomes Project 30x 0.00219; 1000 Genomes Project 0.00240; TOPMed 0.00542; gnomAD 0.00678; gnomAD exomes 0.00794.
gnomAD v4.1: 7,547 of 981,196 alleles (0.77%); highest among the groups gnomAD compares: Non-Finnish European, 0.85%; 39 homozygotes.

Submission:

CeGaT Center for Human Genetics Tuebingen
Classification: Likely benign. Last evaluated: 2026-07-01. Review status: criteria provided, single submitter. Criteria: CeGaT Center For Human Genetics Tuebingen Variant Classification Criteria Version 2. Collection method: clinical testing. Allele origin: germline. Affected: yes. Observed: 14 variant alleles.
Comment: KCNAB2: BS2

NM_001199862.2(KCNAB2):c.425+1065G>A

Gene: KCNAB2 (potassium voltage-gated channel subfamily A regulatory beta subunit 2; plus strand). Cytogenetic location: 1p36.31.
Variant type: single nucleotide variant.
Coding change: c.425+1065G>A on transcript NM_001199862.2 (MANE Select); 1065 bases into the intron after coding-DNA position 425, G replaced by A.
Molecular consequence: intron variant.
Genome position (GRCh38, 1-based): chr1:6,086,313, G>A. VCF-style: chr1-6086313-G-A. GRCh37 (hg19) VCF-style: chr1-6146373-G-A.
Other names: c.326+1065G>A (NM_001199861.2, NM_003636.4, NM_001199860.2); c.284+1065G>A (NM_172130.3); c.125+1065G>A (NM_001199863.2).
Identifiers: ClinVar variation 2638114 (VCV002638114.24), dbSNP rs186761545, ClinGen allele CA555222.